The following is an entry in ClinVar:

ClinVar aggregate classification (germline): Uncertain significance (1 of 4 stars; one submission).

Submission:

GeneDx
Classification: Uncertain significance. Last evaluated: 2024-02-08. Review status: criteria provided, single submitter. Criteria: GeneDx Variant Classification Process June 2021. Collection method: clinical testing. Allele origin: germline. Affected: yes.
Comment: Not observed at significant frequency in large population cohorts (gnomAD); Nonsense variant predicted to result in protein truncation or nonsense mediated decay in a gene or region of a gene for which loss of function is not a well-established mechanism of disease; Has not been previously published as pathogenic or benign to our knowledge

NM_001394062.1(MACF1):c.15912_15913del (p.Cys5304_Asp5305delinsTer)

Gene: MACF1 (microtubule actin crosslinking factor 1; plus strand). Cytogenetic location: 1p34.3.
Variant type: Microsatellite.
Coding change: c.15912_15913del on transcript NM_001394062.1 (MANE Select); coding-DNA positions 15912 to 15913, 2 bases deleted (TG; older notation c.15912_15913delTG).
Protein change: p.Cys5304_Asp5305delinsTer.
Molecular consequence: nonsense.
Genome position (GRCh38, 1-based): chr1:39,422,469-39,422,470, TG deleted; deleting any 2 consecutive bases within chr1:39,422,467-39,422,470 gives the same sequence; the c. name uses the placement nearest the transcript's 3' end. VCF-style (leftmost placement, unchanged base first): chr1-39422466-CTG-C. GRCh37 (hg19) VCF-style: chr1-39888138-CTG-C.
Other names: c.4308_4309del, p.Cys1436_Asp1437delinsTer (NM_001397473.1); c.9726_9727del, p.Cys3242_Asp3243delinsTer (NM_012090.5).
Identifiers: ClinVar variation 3368802 (VCV003368802.1).